The following is an entry in ClinVar:

NC_012920.1(MT-TR):m.10456A>G

Gene: MT-TR (mitochondrially encoded tRNA arginine; plus strand).
Variant type: single nucleotide variant.
Genome position: chrM-10456-A-G.
Identifiers: ClinVar variation 690124 (VCV000690124.1), dbSNP rs1603222842, ClinGen allele CA913163346.
Genomic context (GRCh38, chrMT:10,456, plus strand): 5'-GAACCGAATTGGTATATAGTTTAAACAAAACGAATGATTTCGACTCATTAAATTATGATA[A>G]TCATATTTACCAAATGCCCCTCATTTACATAAATATTATACTAGCATTTACCATCTCACT-3'

ClinVar aggregate classification (germline): Likely benign (1 of 4 stars; one submission).

Conditions:
MELAS syndrome (MELAS). Also called: Juvenile myopathy, encephalopathy, lactic acidosis, stroke. Identifiers: Orphanet 550, MedGen C0162671, MONDO:0010789, OMIM 540000.

Submission:

Wong Mito Lab, Molecular and Human Genetics, Baylor College of Medicine
Classification: Likely benign for MELAS syndrome. Last evaluated: 2019-07-12. Review status: criteria provided, single submitter. Criteria: Modified ACMG Guidelines (Unpublished). Collection method: clinical testing. Allele origin: germline.
Comment: The NC_012920.1:m.10456A>G variant in MT-TR gene is interpreted to be a Likely Benign variant based on the modified ACMG guidelines (unpublished). This variant meets the following evidence codes reported in the guidelines: BP4, BP6

Literature cited by the submitters: PubMed 31965079.